The following is an entry in ClinVar:

NM_002474.3(MYH11):c.3963G>A (p.Gln1321=)

Genes: MYH11 (myosin heavy chain 11; minus strand), NDE1 (nudE neurodevelopment protein 1; plus strand). Cytogenetic location: 16p13.11.
Variant type: single nucleotide variant.
Coding change: c.3963G>A on transcript NM_002474.3 (MANE Select); coding-DNA position 3963, G replaced by A.
Protein change: p.Gln1321=; no amino-acid change (glutamine 1321 retained).
Molecular consequence: synonymous variant. On other transcripts: 3 prime UTR variant (2).
Genome position (GRCh38, 1-based): chr16:15,724,888, C>T on the plus strand (G>A on the coding strand, the complement: MYH11 is on the minus strand). VCF-style: chr16-15724888-C-T. GRCh37 (hg19) VCF-style: chr16-15818745-C-T.
Other names: c.3984G>A, p.Gln1328= (NM_001040113.2, NM_001040114.2); c.3963G>A, p.Gln1321= (NM_022844.3); c.*637C>T (NM_001143979.2, NM_017668.3).
Identifiers: ClinVar variation 3070063 (VCV003070063.1), dbSNP rs1291364486, ClinGen allele CA493759582.

ClinVar aggregate classification (germline): Uncertain significance (1 of 4 stars; one submission).

Conditions:
Familial thoracic aortic aneurysm and aortic dissection (TAAD). Also called: Thoracic aortic aneurysms and dissections. Identifiers: Orphanet 91387, MedGen C4707243, MONDO:0019625.

Submission:

All of Us Research Program, National Institutes of Health
Classification: Uncertain significance for Familial thoracic aortic aneurysm and aortic dissection. Last evaluated: 2023-04-03. Review status: criteria provided, single submitter. Criteria: ACMG Guidelines, 2015. Collection method: clinical testing. Allele origin: germline. Inheritance: Autosomal dominant inheritance. Observed: 1 variant allele, 1 heterozygote.
Comment: This variant is located in the MYH11 protein. To our knowledge, functional studies have not been reported for this variant. This variant has not been reported in individuals affected with MYH11-related disorders in the literature. This variant has not been identified in the general population by the Genome Aggregation Database (gnomAD). The available evidence is insufficient to determine the role of this variant in disease conclusively. Therefore, this variant is classified as a Variant of Uncertain Significance.

This study involves interpretation of variants in research participants for the purpose of population health screening. Participant phenotype was not available at the time of variant classification. Additional details can be found in publication PMID: 35346344, PMCID: PMC8962531